The following is an entry in ClinVar:

ClinVar aggregate classification (germline): Uncertain significance. Review status: criteria provided, multiple submitters, no conflicts (2 of 4 stars). 3 submissions from 3 submitters: Uncertain significance (3). Last evaluated 2026-05-21.

Conditions:
EYS-related disorder. Also called: EYS-related condition.

gnomAD v4.1: 3 of 1,526,190 alleles (0.0002%); highest among the groups gnomAD compares: African/African-American, 0.0042%; no homozygotes.

Submissions (3):

PreventionGenetics, part of Exact Sciences
Classification: Uncertain significance for EYS-related condition. Last evaluated: 2026-05-21. Review status: criteria provided, single submitter. Criteria: ACMG Guidelines, 2015. Collection method: clinical testing. Allele origin: germline.
Comment: The EYS c.5836-3C>A variant is predicted to interfere with splicing. This variant is predicted to alter splicing based on available splicing prediction programs (SpliceAI, Jaganathan et al. 2019. PubMed ID: 30661751). However, the use of computer prediction programs is not equivalent to functional evidence. To our knowledge, this variant has not been reported in the literature or in a large population database (gnomAD), indicating this variant is rare. At this time, the clinical significance of this variant is uncertain due to the absence of conclusive functional and genetic evidence.

Blueprint Genetics
Classification: Uncertain significance. Last evaluated: 2024-10-01. Review status: criteria provided, single submitter. Criteria: ACMG Guidelines, 2015. Collection method: clinical testing. Allele origin: germline.

Labcorp Genetics (formerly Invitae), Labcorp
Classification: Uncertain significance. Last evaluated: 2022-11-01. Review status: criteria provided, single submitter. Criteria: Invitae Variant Classification Sherloc (09022015). Collection method: clinical testing. Allele origin: germline.
Comment: This sequence change falls in intron 27 of the EYS gene. It does not directly change the encoded amino acid sequence of the EYS protein. It affects a nucleotide within the consensus splice site. This variant is not present in population databases (gnomAD no frequency). This variant has not been reported in the literature in individuals affected with EYS-related conditions. Variants that disrupt the consensus splice site are a relatively common cause of aberrant splicing (PMID: 17576681, 9536098). Algorithms developed to predict the effect of sequence changes on RNA splicing suggest that this variant may disrupt the consensus splice site. In summary, the available evidence is currently insufficient to determine the role of this variant in disease. Therefore, it has been classified as a Variant of Uncertain Significance.

Literature cited by the submitters: PubMed 17576681 (cited by Labcorp Genetics (formerly Invitae), Labcorp); PubMed 9536098 (cited by Labcorp Genetics (formerly Invitae), Labcorp).

NM_001142800.2(EYS):c.5836-3C>A

Gene: EYS (EGF-like photoreceptor maintenance factor; minus strand). Cytogenetic location: 6q12.
Variant type: single nucleotide variant.
Coding change: c.5836-3C>A on transcript NM_001142800.2 (MANE Select); 3 bases into the intron before coding-DNA position 5836, C replaced by A.
Molecular consequence: intron variant.
Genome position (GRCh38, 1-based): chr6:64,436,268, G>T on the plus strand (C>A on the coding strand, the complement: EYS is on the minus strand). VCF-style: chr6-64436268-G-T. GRCh37 (hg19) VCF-style: chr6-65146161-G-T.
Other names: c.5836-3C>A (NM_001142800.1, NM_001292009.2).
Identifiers: ClinVar variation 1991711 (VCV001991711.3), dbSNP rs748977292, ClinGen allele CA1089833553.
Genomic context (GRCh38, chr6:64,436,268, plus strand): 5'-CTCTAACAGTAGTATTAATGCTTTTAAATTTTGCTTCACCAGGACAGTAAAAGTGGTACT[G>T]TTGGGGGAAAAAATTTTGTCCTCAAACAGTTTTTCAGCATGAAATTAATACCATATATTT-3'